The following is an entry in ClinVar:

ClinVar aggregate classification (germline): Uncertain significance. Review status: criteria provided, multiple submitters, no conflicts (2 of 4 stars). 2 submissions from 2 submitters: Uncertain significance (2). Last evaluated 2026-06-30.

Conditions:
GP1BA-related disorder. Also called: GP1BA-related condition.

Submissions (2):

PreventionGenetics, part of Exact Sciences
Classification: Uncertain significance for GP1BA-related condition. Last evaluated: 2026-06-30. Review status: criteria provided, single submitter. Criteria: ACMG Guidelines, 2015. Collection method: clinical testing. Allele origin: germline.
Comment: The GP1BA c.784G>A variant is predicted to result in the amino acid substitution p.Val262Met. To our knowledge, this variant has not been reported in the literature. A different substitution affecting the same amino acid (p.Val262Gly) was reported in the homozygous state in a patient with Bernard-Soulier syndrome (BSS), suggesting that substitution of amino acid residue p.Val262 may not be tolerated (Ali et al. 2014. PubMed ID: 23995613). The c.784G>A (p.Val262Met) variant is reported in 0.00088% of alleles in individuals of European (1 allele; Non-Finnish) descent in gnomAD. Although we suspect this variant may be pathogenic, at this time, the clinical significance is uncertain due to the absence of conclusive functional and genetic evidence.

Blueprint Genetics
Classification: Uncertain significance. Last evaluated: 2019-12-10. Review status: criteria provided, single submitter. Criteria: ACMG Guidelines, 2015. Collection method: clinical testing. Allele origin: germline.

NM_000173.7(GP1BA):c.784G>A (p.Val262Met)

Gene: GP1BA (glycoprotein Ib platelet subunit alpha; plus strand). Cytogenetic location: 17p13.2.
Variant type: single nucleotide variant.
Coding change: c.784G>A on transcript NM_000173.7 (MANE Select); coding-DNA position 784, G replaced by A.
Protein change: p.Val262Met; replaces valine 262 with methionine.
Molecular consequence: missense variant.
Genome position (GRCh38, 1-based): chr17:4,933,388, G>A. VCF-style: chr17-4933388-G-A. GRCh37 (hg19) VCF-style: chr17-4836683-G-A.
Other names: c.784G>A (NM_000173.6); short protein forms V262M.
Identifiers: ClinVar variation 4932785 (VCV004932785.2).